The following is an entry in ClinVar:

ClinVar aggregate classification (germline): Uncertain significance (1 of 4 stars; one submission).

Submission:

Labcorp Genetics (formerly Invitae), Labcorp
Classification: Uncertain significance. Last evaluated: 2023-12-28. Review status: criteria provided, single submitter. Criteria: Invitae Variant Classification Sherloc (09022015). Collection method: clinical testing. Allele origin: germline.
Comment: This sequence change replaces lysine, which is basic and polar, with arginine, which is basic and polar, at codon 179 of the HIKESHI protein (p.Lys179Arg). This variant is not present in population databases (gnomAD no frequency). This variant has not been reported in the literature in individuals affected with HIKESHI-related conditions. An algorithm developed to predict the effect of missense changes on protein structure and function (PolyPhen-2) suggests that this variant is likely to be tolerated. In summary, the available evidence is currently insufficient to determine the role of this variant in disease. Therefore, it has been classified as a Variant of Uncertain Significance.

NM_016401.4(HIKESHI):c.536A>G (p.Lys179Arg)

Gene: HIKESHI (heat shock protein nuclear import factor hikeshi; plus strand). Cytogenetic location: 11q14.2.
Variant type: single nucleotide variant.
Coding change: c.536A>G on transcript NM_016401.4 (MANE Select); coding-DNA position 536, A replaced by G.
Protein change: p.Lys179Arg; replaces lysine 179 with arginine.
Molecular consequence: missense variant. On other transcripts: non-coding transcript variant (3).
Genome position (GRCh38, 1-based): chr11:86,344,718, A>G. VCF-style: chr11-86344718-A-G. GRCh37 (hg19) VCF-style: chr11-86055760-A-G.
Other names: c.476A>G, p.Lys159Arg (NM_001322404.2); c.419A>G, p.Lys140Arg (NM_001322407.2, NM_001322409.2); short protein forms K140R, K179R, K159R.
Identifiers: ClinVar variation 2770683 (VCV002770683.3), dbSNP rs1395680488, ClinGen allele CA382011920.